The following is an entry in ClinVar:

NM_000170.3(GLDC):c.2578G>C (p.Gly860Arg)

Gene: GLDC (glycine decarboxylase; minus strand). Cytogenetic location: 9p24.1.
Variant type: single nucleotide variant.
Coding change: c.2578G>C on transcript NM_000170.3 (MANE Select); coding-DNA position 2578, G replaced by C.
Protein change: p.Gly860Arg; replaces glycine 860 with arginine.
Molecular consequence: missense variant.
Genome position (GRCh38, 1-based): chr9:6,540,138, C>G on the plus strand (G>C on the coding strand, the complement: GLDC is on the minus strand). VCF-style: chr9-6540138-C-G. GRCh37 (hg19) VCF-style: chr9-6540138-C-G.
Other names: short protein forms G860R.
Identifiers: ClinVar variation 557059 (VCV000557059.16), dbSNP rs753759723, ClinGen allele CA372883773.
Genomic context (GRCh38, chr9:6,540,138, plus strand): 5'-CCACAGCCTCAATATTTGCAGACTTTTTGAAGGGTCTCGTGTCCAAAATAAATTCATGAC[C>G]CACATAACCTGTTCAGGAAAGTTGTTTCAGCCCAAGATTAGCATCAGCTTATTGTTTTAC-3'
Protein context (NP_000161.2, residues 850-870): ILFRGARGYV[Gly860Arg]HEFILDTRPF

ClinVar aggregate classification (germline): Pathogenic/Likely pathogenic. Review status: criteria provided, multiple submitters, no conflicts (2 of 4 stars). 4 submissions from 4 submitters: Pathogenic (1); Likely pathogenic (2). 1 of the submissions does not count toward it. Last evaluated 2025-10-13.

Conditions:
Glycine encephalopathy. Also called: Nonketotic hyperglycinemia; Non-ketotic hyperglycinemia. Identifiers: Orphanet 407, MedGen C0751748, MONDO:0011612, HP:0008288.
Glycine encephalopathy 1 (GCE1). Identifiers: MedGen CN376801, MONDO:0958179, OMIM 605899.

gnomAD v4.1: 6 of 1,607,140 alleles (0.00037%); highest among the groups gnomAD compares: Non-Finnish European, 0.00051%; no homozygotes.

Submissions (4):

Women's Health and Genetics/Laboratory Corporation of America, LabCorp
Classification: Likely pathogenic for Glycine encephalopathy. Last evaluated: 2025-10-13. Review status: criteria provided, single submitter. Criteria: LabCorp Variant Classification Summary - May 2015. Collection method: clinical testing. Allele origin: germline.
Comment: Variant summary: GLDC c.2578G>C (p.Gly860Arg) results in a non-conservative amino acid change located in the Glycine dehydrogenase, C-terminal domain (IPR049316) of the encoded protein sequence. Algorithms developed to predict the effect of missense changes on protein structure and function are either unavailable or do not agree on the potential impact of this missense change. The variant was absent in 251416 control chromosomes (gnomAD v2.1). c.2578G>C has been observed in two unrelated individuals affected with Glycine Encephalopathy (Non-Ketotic Hyperglycinemia), who both carried a (likely) pathogenic variant in trans (Coughlin_2017). These data indicate that the variant may be associated with disease. To our knowledge, no experimental evidence demonstrating an impact on protein function has been reported. The following publication has been ascertained in the context of this evaluation (PMID: 27362913). ClinVar contains an entry for this variant (Variation ID: 557059). Based on the evidence outlined above, the variant was classified as likely pathogenic.

Fulgent Genetics
Classification: Likely pathogenic for Glycine encephalopathy 1. Last evaluated: 2024-03-06. Review status: criteria provided, single submitter. Criteria: ACMG Guidelines, 2015. Collection method: clinical testing. Allele origin: germline.

Labcorp Genetics (formerly Invitae), Labcorp
Classification: Pathogenic for Glycine encephalopathy. Last evaluated: 2023-12-14. Review status: criteria provided, single submitter. Criteria: Invitae Variant Classification Sherloc (09022015). Collection method: clinical testing. Allele origin: germline.
Comment: This sequence change replaces glycine, which is neutral and non-polar, with arginine, which is basic and polar, at codon 860 of the GLDC protein (p.Gly860Arg). This variant is not present in population databases (gnomAD no frequency). This missense change has been observed in individual(s) with glycine encephalopathy (PMID: 27362913). In at least one individual the data is consistent with being in trans (on the opposite chromosome) from a pathogenic variant. ClinVar contains an entry for this variant (Variation ID: 557059). Advanced modeling of protein sequence and biophysical properties (such as structural, functional, and spatial information, amino acid conservation, physicochemical variation, residue mobility, and thermodynamic stability) performed at Invitae indicates that this missense variant is not expected to disrupt GLDC protein function with a negative predictive value of 80%. For these reasons, this variant has been classified as Pathogenic.

Counsyl
Classification: Uncertain significance for Glycine encephalopathy 1. Last evaluated: 2018-03-09. Review status: no assertion criteria provided. Collection method: clinical testing. Allele origin: unknown. Not counted in ClinVar's aggregate classification.

Literature cited by the submitters: PubMed 27362913 (cited by 3 submitters).